The following is an entry in ClinVar:

NM_001271938.2(MEGF8):c.918C>T (p.Asp306=)

Gene: MEGF8 (multiple EGF like domains 8; plus strand). Cytogenetic location: 19q13.2.
Variant type: single nucleotide variant.
Coding change: c.918C>T on transcript NM_001271938.2 (MANE Select); coding-DNA position 918, C replaced by T.
Protein change: p.Asp306=; no amino-acid change (aspartic acid 306 retained).
Molecular consequence: synonymous variant.
Genome position (GRCh38, 1-based): chr19:42,336,020, C>T. VCF-style: chr19-42336020-C-T. GRCh37 (hg19) VCF-style: chr19-42840172-C-T.
Other names: c.918C>T, p.Asp306= (NM_001410.3).
Identifiers: ClinVar variation 702788 (VCV000702788.34), dbSNP rs373759775, ClinGen allele CA9474305.

ClinVar aggregate classification (germline): Benign/Likely benign. Review status: criteria provided, multiple submitters, no conflicts (2 of 4 stars). 4 submissions from 4 submitters: Benign (2); Likely benign (2). Last evaluated 2026-01-13.

Conditions:
MEGF8-related Carpenter syndrome. Also called: Carpenter syndrome 2. Identifiers: Orphanet 65759, MedGen C3554247, MONDO:0013998, OMIM 614976.

Allele frequency attached by ClinVar (database versions not stated): gnomAD exomes 0.00012 and 0.00027; ExAC 0.00081; gnomAD 0.00091 and 0.00097; TOPMed 0.00100; 1000 Genomes Project 30x 0.00109; 1000 Genomes Project 0.00120; ESP Exome Variant Server 0.00132.
gnomAD v4.1: 325 of 1,558,710 alleles (0.021%); highest among the groups gnomAD compares: African/African-American, 0.25%; 1 homozygote.

Submissions (4):

Labcorp Genetics (formerly Invitae), Labcorp
Classification: Benign for MEGF8-related Carpenter syndrome. Last evaluated: 2026-01-13. Review status: criteria provided, single submitter. Criteria: Invitae Variant Classification Sherloc (09022015). Collection method: clinical testing. Allele origin: germline.

Blueprint Genetics
Classification: Likely benign. Last evaluated: 2024-11-23. Review status: criteria provided, single submitter. Criteria: ACMG Guidelines, 2015. Collection method: clinical testing. Allele origin: germline.

CeGaT Center for Human Genetics Tuebingen
Classification: Likely benign. Last evaluated: 2023-04-01. Review status: criteria provided, single submitter. Criteria: CeGaT Center For Human Genetics Tuebingen Variant Classification Criteria Version 2. Collection method: clinical testing. Allele origin: germline. Affected: yes. Observed: 1 variant allele.
Comment: MEGF8: BP4, BP7

Breakthrough Genomics
Classification: Benign. Review status: criteria provided, single submitter. Criteria: ACMG Guidelines, 2015. Collection method: not provided. Allele origin: germline. Inheritance: Autosomal recessive inheritance. Affected: yes.